The following is an entry in ClinVar:

ClinVar aggregate classification (germline): Likely benign. Review status: criteria provided, single submitter (1 of 4 stars). 2 submissions from 2 submitters: Likely benign (1). 1 of the submissions does not count toward it. Last evaluated 2026-09-01.

Conditions:
ITPR3-related disorder. Also called: ITPR3-related condition.

Allele frequency attached by ClinVar (database versions not stated): TOPMed 0.00007; gnomAD 0.00008; ESP Exome Variant Server 0.00015; gnomAD exomes 0.00016; ExAC 0.00021.
gnomAD v4.1: 253 of 1,614,104 alleles (0.016%); highest among the groups gnomAD compares: South Asian, 0.068%; no homozygotes.

Submissions (2):

CeGaT Center for Human Genetics Tuebingen
Classification: Likely benign. Last evaluated: 2026-09-01. Review status: criteria provided, single submitter. Criteria: CeGaT Center For Human Genetics Tuebingen Variant Classification Criteria Version 2. Collection method: clinical testing. Allele origin: germline. Affected: yes. Observed: 2 variant alleles.
Comment: ITPR3: BP4, BP7

PreventionGenetics, part of Exact Sciences
Classification: Likely benign for ITPR3-related condition. Last evaluated: 2019-04-25. Review status: no assertion criteria provided. Collection method: clinical testing. Allele origin: germline. Not counted in ClinVar's aggregate classification.
Comment: This variant is classified as likely benign based on ACMG/AMP sequence variant interpretation guidelines (Richards et al. 2015 PMID: 25741868, with internal and published modifications).

NM_002224.4(ITPR3):c.5799C>T (p.Asn1933=)

Gene: ITPR3 (inositol 1,4,5-trisphosphate receptor type 3; plus strand). Cytogenetic location: 6p21.31.
Variant type: single nucleotide variant.
Coding change: c.5799C>T on transcript NM_002224.4 (MANE Select); coding-DNA position 5799, C replaced by T.
Protein change: p.Asn1933=; no amino-acid change (asparagine 1933 retained).
Molecular consequence: synonymous variant.
Genome position (GRCh38, 1-based): chr6:33,686,184, C>T. VCF-style: chr6-33686184-C-T. GRCh37 (hg19) VCF-style: chr6-33653961-C-T.
Identifiers: ClinVar variation 3057541 (VCV003057541.16), dbSNP rs149221361, ClinGen allele CA3761679.
Genomic context (GRCh38, chr6:33,686,184, plus strand): 5'-CATGTGCGGCAGCACCACGGGCGGCCTGGGGCTGCTGGGGCTCTACATCAATGAGGACAA[C>T]GTGGGCCTCGTCATCCAGACCTTGGAGACCCTCACTGAGTACTGCCAGGGCCCCTGCCAT-3'
Protein context (NP_002215.2, residues 1923-1943): GLLGLYINED[Asn1933=]VGLVIQTLET